The following is an entry in ClinVar:

ClinVar aggregate classification (germline): Uncertain significance (1 of 4 stars; one submission).

Allele frequency attached by ClinVar (database versions not stated): gnomAD 0.00001; TOPMed 0.00001.

Submission:

Labcorp Genetics (formerly Invitae), Labcorp
Classification: Uncertain significance. Last evaluated: 2022-07-06. Review status: criteria provided, single submitter. Criteria: Invitae Variant Classification Sherloc (09022015). Collection method: clinical testing. Allele origin: germline.
Comment: Algorithms developed to predict the effect of sequence changes on RNA splicing suggest that this variant may create or strengthen a splice site. In summary, the available evidence is currently insufficient to determine the role of this variant in disease. Therefore, it has been classified as a Variant of Uncertain Significance. Algorithms developed to predict the effect of missense changes on protein structure and function are either unavailable or do not agree on the potential impact of this missense change (SIFT: "Deleterious"; PolyPhen-2: "Benign"; Align-GVGD: "Class C0"). ClinVar contains an entry for this variant (Variation ID: 1015610). This variant has not been reported in the literature in individuals affected with ADGRA3-related conditions. This variant is present in population databases (no rsID available, gnomAD 0.01%). This sequence change replaces alanine, which is neutral and non-polar, with valine, which is neutral and non-polar, at codon 56 of the ADGRA3 protein (p.Ala56Val).

NM_145290.4(ADGRA3):c.167C>T (p.Ala56Val)

Gene: ADGRA3 (adhesion G protein-coupled receptor A3; minus strand). Cytogenetic location: 4p15.2.
Variant type: single nucleotide variant.
Coding change: c.167C>T on transcript NM_145290.4 (MANE Select); coding-DNA position 167, C replaced by T.
Protein change: p.Ala56Val; replaces alanine 56 with valine.
Molecular consequence: missense variant.
Genome position (GRCh38, 1-based): chr4:22,515,618, G>A on the plus strand (C>T on the coding strand, the complement: ADGRA3 is on the minus strand). VCF-style: chr4-22515618-G-A. GRCh37 (hg19) VCF-style: chr4-22517241-G-A.
Other names: short protein forms A56V.
Identifiers: ClinVar variation 1015610 (VCV001015610.8), dbSNP rs1284317363, ClinGen allele CA356507725.